The following is an entry in ClinVar:

ClinVar aggregate classification (germline): Uncertain significance (1 of 4 stars; one submission).

Conditions:
Multiple congenital anomalies-hypotonia-seizures syndrome 1 (MCAHS1). Also called: Congenital disorder of glycosylation due to PIGN deficiency; PIGN-CDG; GLYCOSYLPHOSPHATIDYLINOSITOL BIOSYNTHESIS DEFECT 3. Identifiers: Orphanet 280633, MedGen C3279775, MONDO:0013563, OMIM 614080.

Allele frequency attached by ClinVar (database versions not stated): TOPMed 0.00001.
gnomAD v4.1: 22 of 1,613,410 alleles (0.0014%); highest among the groups gnomAD compares: Non-Finnish European, 0.0018%; no homozygotes.

Submission:

Labcorp Genetics (formerly Invitae), Labcorp
Classification: Uncertain significance for Multiple congenital anomalies-hypotonia-seizures syndrome 1. Last evaluated: 2026-01-05. Review status: criteria provided, single submitter. Criteria: Invitae Variant Classification Sherloc (09022015). Collection method: clinical testing. Allele origin: germline.
Comment: This sequence change replaces glutamic acid, which is acidic and polar, with lysine, which is basic and polar, at codon 61 of the PIGN protein (p.Glu61Lys). This variant is present in population databases (no rsID available, gnomAD 0.004%). This variant has not been reported in the literature in individuals affected with PIGN-related conditions. ClinVar contains an entry for this variant (Variation ID: 862222). Invitae Evidence Modeling of protein sequence and biophysical properties (such as structural, functional, and spatial information, amino acid conservation, physicochemical variation, residue mobility, and thermodynamic stability) indicates that this missense variant is not expected to disrupt PIGN protein function with a negative predictive value of 80%. In summary, the available evidence is currently insufficient to determine the role of this variant in disease. Therefore, it has been classified as a Variant of Uncertain Significance.

NM_176787.5(PIGN):c.181G>A (p.Glu61Lys)

Gene: PIGN (phosphatidylinositol glycan anchor biosynthesis class N; minus strand). Cytogenetic location: 18q21.33.
Variant type: single nucleotide variant.
Coding change: c.181G>A on transcript NM_176787.5 (MANE Select); coding-DNA position 181, G replaced by A.
Protein change: p.Glu61Lys; replaces glutamic acid 61 with lysine.
Molecular consequence: missense variant.
Genome position (GRCh38, 1-based): chr18:62,161,173, C>T on the plus strand (G>A on the coding strand, the complement: PIGN is on the minus strand). VCF-style: chr18-62161173-C-T. GRCh37 (hg19) VCF-style: chr18-59828406-C-T.
Other names: c.181G>A, p.Glu61Lys (NM_012327.6); short protein forms E61K.
Identifiers: ClinVar variation 862222 (VCV000862222.8), dbSNP rs200199765, ClinGen allele CA402604291.